The following is an entry in ClinVar:

NM_018124.4(RFWD3):c.896A>G (p.Asp299Gly)

Gene: RFWD3 (ring finger and WD repeat domain 3; minus strand). Cytogenetic location: 16q23.1.
Variant type: single nucleotide variant.
Coding change: c.896A>G on transcript NM_018124.4 (MANE Select); coding-DNA position 896, A replaced by G.
Protein change: p.Asp299Gly; replaces aspartic acid 299 with glycine.
Molecular consequence: missense variant.
Genome position (GRCh38, 1-based): chr16:74,644,632, T>C on the plus strand (A>G on the coding strand, the complement: RFWD3 is on the minus strand). VCF-style: chr16-74644632-T-C. GRCh37 (hg19) VCF-style: chr16-74678530-T-C.
Other names: c.896A>G, p.Asp299Gly (NM_001370534.1, NM_001370535.1, NM_001370536.1); c.62A>G, p.Asp21Gly (NM_001370537.1, NM_001370539.1, NM_001370540.1 and 2 more transcripts); short protein forms D299G, D21G.
Identifiers: ClinVar variation 4732318 (VCV004732318.1).
Genomic context (GRCh38, chr16:74,644,632, plus strand): 5'-CACGTGGAAATGCACCTATACCCAAAGAGATGCCCACAGCGTAATGCTGAGAGCCGGTGG[T>C]CCCCAGCATTGGTCCACTGTTCCAGACATATTGTACAAGTGTCCCCTTCTTCCTCATCCA-3'
Protein context (NP_060594.3, residues 289-309): ICLEQWTNAG[Asp299Gly]HRLSALRCGH

ClinVar aggregate classification (germline): Uncertain significance (1 of 4 stars; one submission).

Submission:

Labcorp Genetics (formerly Invitae), Labcorp
Classification: Uncertain significance. Last evaluated: 2025-12-01. Review status: criteria provided, single submitter. Criteria: Invitae Variant Classification Sherloc (09022015). Collection method: clinical testing. Allele origin: germline.
Comment: This sequence change replaces aspartic acid, which is acidic and polar, with glycine, which is neutral and non-polar, at codon 299 of the RFWD3 protein (p.Asp299Gly). This variant is not present in population databases (gnomAD no frequency). This variant has not been reported in the literature in individuals affected with RFWD3-related conditions. An algorithm developed to predict the effect of missense changes on protein structure and function (PolyPhen-2) suggests that this variant is likely to be tolerated. In summary, the available evidence is currently insufficient to determine the role of this variant in disease. Therefore, it has been classified as a Variant of Uncertain Significance.